The following is an entry in ClinVar:

NM_007294.4(BRCA1):c.2650A>G (p.Thr884Ala)

Gene: BRCA1 (BRCA1 DNA repair associated; minus strand). Cytogenetic location: 17q21.31.
Variant type: single nucleotide variant.
Coding change: c.2650A>G on transcript NM_007294.4 (MANE Select); coding-DNA position 2650, A replaced by G.
Protein change: p.Thr884Ala; replaces threonine 884 with alanine.
Molecular consequence: missense variant. On other transcripts: intron variant (137).
Genome position (GRCh38, 1-based): chr17:43,092,881, T>C on the plus strand (A>G on the coding strand, the complement: BRCA1 is on the minus strand). VCF-style: chr17-43092881-T-C. GRCh37 (hg19) VCF-style: chr17-41244898-T-C.
Other names: c.2437A>G, p.Thr813Ala (NM_001407571.1, NM_001407853.1, NM_001407894.1 and 9 more transcripts); c.2650A>G, p.Thr884Ala (NM_001407581.1, NM_001407582.1, NM_001407583.1 and 30 more transcripts); c.2647A>G, p.Thr883Ala (NM_001407587.1, NM_001407590.1, NM_001407591.1 and 22 more transcripts); c.2641A>G, p.Thr881Ala (NM_001407646.1, NM_001407647.1); c.2527A>G, p.Thr843Ala (NM_001407648.1, NM_001407664.1, NM_001407665.1 and 19 more transcripts); c.2524A>G, p.Thr842Ala (NM_001407649.1, NM_001407670.1, NM_001407671.1 and 11 more transcripts); c.2572A>G, p.Thr858Ala (NM_001407653.1, NM_001407654.1, NM_001407655.1 and 4 more transcripts); c.2569A>G, p.Thr857Ala (NM_001407659.1, NM_001407660.1, NM_001407661.1 and 1 more transcripts); and 41 more; short protein forms T884A, T837A, T716A, T772A, T796A, T857A, T757A, T814A.
Identifiers: ClinVar variation 54628 (VCV000054628.12), dbSNP rs80357120, ClinGen allele CA001736.

ClinVar aggregate classification (germline): Conflicting classifications of pathogenicity. Review status: criteria provided, conflicting classifications (1 of 4 stars). 4 submissions from 4 submitters: Uncertain significance (2); Likely benign (1). 1 of the submissions does not count toward it. Last evaluated 2025-09-25.

Conditions:
Hereditary cancer-predisposing syndrome. Also called: Tumor predisposition; Neoplastic Syndromes, Hereditary; Hereditary Cancer Syndrome; Hereditary neoplastic syndrome. Identifiers: Orphanet 140162, MedGen C0027672, MeSH D009386, MONDO:0015356.
Hereditary breast ovarian cancer syndrome. Also called: Hereditary breast and ovarian cancer syndrome (HBOC); Hereditary breast and ovarian cancer syndrome; Hereditary breast and ovarian cancer; Hereditary breast and/or ovarian cancer syndrome; Breast and ovarian cancer; BRCA1- and BRCA2-Associated Hereditary Breast and Ovarian Cancer. Identifiers: Orphanet 145, MedGen C0677776, MeSH D061325, MONDO:0003582. Disease mechanism: loss of function.
Breast-ovarian cancer, familial, susceptibility to, 1 (BROVCA1). Also called: OVARIAN CANCER, SUSCEPTIBILITY TO; BRCA1 Hereditary Breast and Ovarian Cancer. Identifiers: Orphanet 145, MedGen C2676676, MONDO:0011450, OMIM 604370. Disease mechanism: loss of function.

Submissions (4):

Labcorp Genetics (formerly Invitae), Labcorp
Classification: Uncertain significance for Hereditary breast ovarian cancer syndrome. Last evaluated: 2025-09-25. Review status: criteria provided, single submitter. Criteria: Invitae Variant Classification Sherloc (09022015). Collection method: clinical testing. Allele origin: germline.
Comment: This sequence change replaces threonine, which is neutral and polar, with alanine, which is neutral and non-polar, at codon 884 of the BRCA1 protein (p.Thr884Ala). This variant is not present in population databases (gnomAD no frequency). This variant has not been reported in the literature in individuals affected with BRCA1-related conditions. ClinVar contains an entry for this variant (Variation ID: 54628). Invitae Evidence Modeling of protein sequence and biophysical properties (such as structural, functional, and spatial information, amino acid conservation, physicochemical variation, residue mobility, and thermodynamic stability) indicates that this missense variant is not expected to disrupt BRCA1 protein function with a negative predictive value of 80%. In summary, the available evidence is currently insufficient to determine the role of this variant in disease. Therefore, it has been classified as a Variant of Uncertain Significance.

University of Washington Department of Laboratory Medicine, University of Washington
Classification: Likely benign for Hereditary cancer-predisposing syndrome. Last evaluated: 2023-03-23. Review status: criteria provided, single submitter. Criteria: Dines et al. (Genet Med. 2020). Collection method: curation. Allele origin: germline.
Comment: Missense variant in a coldspot region where missense variants are very unlikely to be pathogenic (PMID:31911673).

BRCA1 coldspot (exon 11 using historical exon numbering). Reclassification based on statistical prior probability

Ambry Genetics
Classification: Uncertain significance for Hereditary cancer-predisposing syndrome. Last evaluated: 2021-12-14. Review status: criteria provided, single submitter. Criteria: Ambry Variant Classification Scheme 2023. Collection method: clinical testing. Allele origin: germline.
Comment: The p.T884A variant (also known as c.2650A>G), located in coding exon 9 of the BRCA1 gene, results from an A to G substitution at nucleotide position 2650. The threonine at codon 884 is replaced by alanine, an amino acid with similar properties. This amino acid position is not well conserved in available vertebrate species. In addition, this alteration is predicted to be tolerated by in silico analysis. Since supporting evidence is limited at this time, the clinical significance of this alteration remains unclear.

Breast Cancer Information Core (BIC) (BRCA1)
Classification: Uncertain significance for Breast-ovarian cancer, familial 1. Last evaluated: 1999-12-30. Review status: no assertion criteria provided. Collection method: clinical testing. Allele origin: germline. Affected: yes. Observed: 1 variant allele. Not counted in ClinVar's aggregate classification.